The following is an entry in ClinVar:

NM_001267550.2(TTN):c.57848-286G>A

Genes: TTN (titin; minus strand), TTN-AS1 (TTN antisense RNA 1; plus strand). Cytogenetic location: 2q31.2.
Variant type: single nucleotide variant.
Coding change: c.57848-286G>A on transcript NM_001267550.2 (MANE Select); 286 bases into the intron before coding-DNA position 57848, G replaced by A.
Molecular consequence: intron variant.
Genome position (GRCh38, 1-based): chr2:178,594,932, C>T on the plus strand (G>A on the coding strand, the complement: TTN is on the minus strand). VCF-style: chr2-178594932-C-T. GRCh37 (hg19) VCF-style: chr2-179459659-C-T.
Other names: c.30653-286G>A (NM_003319.4); c.31229-286G>A (NM_133437.4); c.31028-286G>A (NM_133432.3); c.50144-286G>A (NM_133378.4); c.52925-286G>A (NM_001256850.1).
Identifiers: ClinVar variation 680833 (VCV000680833.1), dbSNP rs62178962, ClinGen allele CA60972441.

ClinVar aggregate classification (germline): Benign (1 of 4 stars; one submission).

Allele frequency attached by ClinVar (database versions not stated): 1000 Genomes Project 0.05072; 1000 Genomes Project 30x 0.05106; gnomAD 0.09461; TOPMed 0.10374.
gnomAD v4.1: 15,524 of 151,994 alleles (10%); highest among the groups gnomAD compares: Non-Finnish European, 15%; 1,121 homozygotes.

Submission:

GeneDx
Classification: Benign. Last evaluated: 2018-06-14. Review status: criteria provided, single submitter. Criteria: GeneDx Variant Classification (06012015). Collection method: clinical testing. Allele origin: germline. Affected: yes.
Comment: This variant is considered likely benign or benign based on one or more of the following criteria: it is a conservative change, it occurs at a poorly conserved position in the protein, it is predicted to be benign by multiple in silico algorithms, and/or has population frequency not consistent with disease.